The following is an entry in ClinVar:

NM_032217.5(ANKRD17):c.4828G>T (p.Glu1610Ter)

Gene: ANKRD17 (ankyrin repeat domain 17; minus strand). Cytogenetic location: 4q13.3.
Variant type: single nucleotide variant.
Coding change: c.4828G>T on transcript NM_032217.5 (MANE Select); coding-DNA position 4828, G replaced by T.
Protein change: p.Glu1610Ter; replaces glutamic acid 1610 with a stop codon.
Molecular consequence: nonsense.
Genome position (GRCh38, 1-based): chr4:73,098,266, C>A on the plus strand (G>T on the coding strand, the complement: ANKRD17 is on the minus strand). VCF-style: chr4-73098266-C-A. GRCh37 (hg19) VCF-style: chr4-73963983-C-A.
Other names: c.4489G>T, p.Glu1497Ter (NM_001286771.3); c.4825G>T, p.Glu1609Ter (NM_015574.2); c.4075G>T, p.Glu1359Ter (NM_198889.3); short protein forms E1359*, E1497*, E1609*, E1610*.
Identifiers: ClinVar variation 1333233 (VCV001333233.1), dbSNP rs1723542820, ClinGen allele CA357202263.

ClinVar aggregate classification (germline): Likely pathogenic (1 of 4 stars; one submission).

Conditions:
Chopra-Amiel-Gordon syndrome (CAGS). Also called: ANKRD17-Related Neurodevelopmental Syndrome. Identifiers: MedGen C5561975, MONDO:0859186, OMIM 619504.

Submission:

3billion
Classification: Likely pathogenic for Chopra-Amiel-Gordon syndrome. Last evaluated: 2022-01-03. Review status: criteria provided, single submitter. Criteria: ACMG Guidelines, 2015. Collection method: clinical testing. Allele origin: germline. Affected: yes. Observed: 1 heterozygote.
Comment: Stop-gained (nonsense): predicted to result in a loss or disruption of normal protein function through nonsense-mediated decay (NMD) or protein truncation. Multiple pathogenic variants are reported downstream of the variant (PVS1_VS). It is not observed in the gnomAD v2.1.1 dataset (PM2_M). Therefore, this variant is classified as likely pathogenic according to the recommendation of ACMG/AMP guideline.